The following is an entry in ClinVar:

NM_001114753.3(ENG):c.817-5A>G

Gene: ENG (endoglin; minus strand). Cytogenetic location: 9q34.11.
Variant type: single nucleotide variant.
Coding change: c.817-5A>G on transcript NM_001114753.3 (MANE Select); 5 bases into the intron before coding-DNA position 817, A replaced by G.
Molecular consequence: intron variant.
Genome position (GRCh38, 1-based): chr9:127,824,979, T>C on the plus strand (A>G on the coding strand, the complement: ENG is on the minus strand). VCF-style: chr9-127824979-T-C. GRCh37 (hg19) VCF-style: chr9-130587258-T-C.
Other names: c.817-5A>G (NM_000118.4, NM_001406715.1); c.271-5A>G (NM_001278138.2).
Identifiers: ClinVar variation 1157449 (VCV001157449.11), dbSNP rs765777426, ClinGen allele CA5252955.
Genomic context (GRCh38, chr9:127,824,979, plus strand): 5'-TTGAAGCCACGAATGTTTTTCTCTGGAAAGATCTTGAAGGAGTATTCTCCAGTGGTCTAA[T>C]GGTGGGGAGAGAGGCAGAACAGGGGGCCATGGACACAGTCTGTGCCACAGCAGGCCAGCC-3'

ClinVar aggregate classification (germline): Likely benign. Review status: criteria provided, multiple submitters, no conflicts (2 of 4 stars). 2 submissions from 2 submitters: Likely benign (2). Last evaluated 2022-11-11.

Conditions:
Hereditary hemorrhagic telangiectasia (HHT). Also called: Osler hemorrhagic telangiectasia syndrome; ORW DISEASE; Osler Weber Rendu syndrome; OSLER-RENDU-WEBER DISEASE. Identifiers: Orphanet 774, MedGen C0039445, MONDO:0019180. Disease mechanism: loss of function.

Allele frequency attached by ClinVar (database versions not stated): ExAC 0.00001; gnomAD 0.00001; gnomAD exomes 0.00001.
gnomAD v4.1: 14 of 1,612,222 alleles (0.00087%); highest among the groups gnomAD compares: Admixed American, 0.0017%; no homozygotes.

Submissions (2):

Labcorp Genetics (formerly Invitae), Labcorp
Classification: Likely benign for Hereditary hemorrhagic telangiectasia. Last evaluated: 2022-11-11. Review status: criteria provided, single submitter. Criteria: Invitae Variant Classification Sherloc (09022015). Collection method: clinical testing. Allele origin: germline.

Phosphorus, Inc.
Classification: Likely benign. Last evaluated: 2022-01-15. Review status: criteria provided, single submitter. Criteria: ACMG Guidelines, 2015. Collection method: clinical testing. Allele origin: germline. Inheritance: Autosomal dominant inheritance.
Comment: This variant is located at 5 bp away from the canonical splice site in intron 6 out of 14 introns of the ENG gene. The variant has occurred in GnomAD with a total MAF of 0.0008% and with the highest MAF of 0.0018% in the European population. This position is not conserved. In silico splicing algorithm predicted no impact on splicing, but no functional studies were performed to confirm this prediction. This variant NM_001114753.3(ENG):c.817-5A>G is present in the ClinVar database (ID: 115744). The variant has not occurred in the literature in the association with the disease. Considering that the variant has a relatively high frequency in a subpopulation, it has been classified as Likely Benign.